The following is an entry in ClinVar:

NM_005360.5(MAF):c.916C>G (p.Arg306Gly)

Gene: MAF (MAF bZIP transcription factor; minus strand). Cytogenetic location: 16q23.2.
Variant type: single nucleotide variant.
Coding change: c.916C>G on transcript NM_005360.5 (MANE Select); coding-DNA position 916, C replaced by G.
Protein change: p.Arg306Gly; replaces arginine 306 with glycine.
Molecular consequence: missense variant.
Genome position (GRCh38, 1-based): chr16:79,598,987, G>C on the plus strand (C>G on the coding strand, the complement: MAF is on the minus strand). VCF-style: chr16-79598987-G-C. GRCh37 (hg19) VCF-style: chr16-79632884-G-C.
Other names: c.916C>G, p.Arg306Gly (NM_001031804.3); short protein forms R306G.
Identifiers: ClinVar variation 952303 (VCV000952303.11), dbSNP rs1913781557, ClinGen allele CA396534960.

ClinVar aggregate classification (germline): Pathogenic/Likely pathogenic. Review status: criteria provided, multiple submitters, no conflicts (2 of 4 stars). 2 submissions from 2 submitters: Pathogenic (1); Likely pathogenic (1). Last evaluated 2024-10-07.

Conditions:
Inborn genetic diseases. Identifiers: MedGen C0950123, MeSH D030342.
Cataract 21 multiple types. Also called: CATARACT 21, MULTIPLE TYPES, WITH OR WITHOUT MICROCORNEA; CATARACT 21, CERULEAN, WITH OR WITHOUT MICROCORNEA; CATARACT 21, MULTIPLE TYPES, WITH MICROCORNEA; Cataract, congenital, cerulean type, 4. Identifiers: Orphanet 91492, MedGen C1857768, MONDO:0012437, OMIM 610202.
Ayme-Gripp syndrome. Also called: Aymé-Gripp Syndrome. Identifiers: MedGen C1832812, MONDO:0010992, OMIM 601088.

Submissions (2):

Labcorp Genetics (formerly Invitae), Labcorp
Classification: Likely pathogenic for Cataract 21 multiple types; Ayme-Gripp syndrome. Last evaluated: 2024-10-07. Review status: criteria provided, single submitter. Criteria: Invitae Variant Classification Sherloc (09022015). Collection method: clinical testing. Allele origin: germline.
Comment: This sequence change replaces arginine, which is basic and polar, with glycine, which is neutral and non-polar, at codon 306 of the MAF protein (p.Arg306Gly). This variant is not present in population databases (gnomAD no frequency). This missense change has been observed in individuals with bilateral congenital cataracts (PMID: 34101287; internal data). ClinVar contains an entry for this variant (Variation ID: 952303). Invitae Evidence Modeling of protein sequence and biophysical properties (such as structural, functional, and spatial information, amino acid conservation, physicochemical variation, residue mobility, and thermodynamic stability) indicates that this missense variant is expected to disrupt MAF protein function with a positive predictive value of 80%. In summary, the currently available evidence indicates that the variant is pathogenic, but additional data are needed to prove that conclusively. Therefore, this variant has been classified as Likely Pathogenic.

Ambry Genetics
Classification: Pathogenic for Inborn genetic diseases. Last evaluated: 2024-05-08. Review status: criteria provided, single submitter. Criteria: Ambry Variant Classification Scheme 2023. Collection method: clinical testing. Allele origin: germline.
Comment: The c.916C>G (p.R306G) alteration is located in exon 1 (coding exon 1) of the MAF gene. This alteration results from a C to G substitution at nucleotide position 916, causing the arginine (R) at amino acid position 306 to be replaced by a glycine (G). for MAF-related congenital cataract; however, its clinical significance for Ayme-Gripp syndrome is uncertain. This variant was not reported in population-based cohorts in the Genome Aggregation Database (gnomAD). This variant was reported in two individuals with features consistent with MAF-related congenital cataract (Ma, 2021), and determined to be the result of a de novo mutation in one of them (DECIPHER). This amino acid position is highly conserved in available vertebrate species. This missense alteration is located in a region that has a low rate of benign missense variation (Lek, 2016; Firth, 2009). Based on internal structural analysis, R306G is deleterious. The variant disrupts the DNA binding site. This alteration is predicted to be deleterious by in silico analysis. Based on the available evidence, this alteration is classified as pathogenic.

Literature cited by the submitters: PubMed 34101287 (cited by Labcorp Genetics (formerly Invitae), Labcorp and Ambry Genetics).